The following is an entry in ClinVar:

ClinVar aggregate classification (germline): Benign. Review status: criteria provided, multiple submitters, no conflicts (2 of 4 stars). 8 submissions from 8 submitters: Benign (7). 1 of the submissions does not count toward it. Last evaluated 2026-02-04.

Conditions:
Osteogenesis imperfecta type 9 (OI9). Also called: Oi type IX; OI 9; Osteogenesis imperfecta sillence type II/III without abnormality of type I collagen. Identifiers: MedGen C1850169, MONDO:0009805, OMIM 259440.
Osteogenesis imperfecta (OI). Identifiers: Orphanet 666, MedGen C0029434, MeSH D010013, MONDO:0019019.

Allele frequency attached by ClinVar (database versions not stated): 1000 Genomes Project 30x 0.00874; 1000 Genomes Project 0.00919; ESP Exome Variant Server 0.01000; gnomAD 0.01016 and 0.01052; TOPMed 0.01023; gnomAD exomes 0.01420; ExAC 0.01447.

Submissions (8):

Labcorp Genetics (formerly Invitae), Labcorp
Classification: Benign. Last evaluated: 2026-02-04. Review status: criteria provided, single submitter. Criteria: Invitae Variant Classification Sherloc (09022015). Collection method: clinical testing. Allele origin: germline.

Mayo Clinic Laboratories, Mayo Clinic
Classification: Benign. Last evaluated: 2025-04-11. Review status: criteria provided, single submitter. Criteria: ACMG Guidelines, 2015. Collection method: clinical testing. Allele origin: germline. Observed: 1 variant allele.
Comment: BS1, BS2, BP4, BP7

ARUP Laboratories, Molecular Genetics and Genomics, ARUP Laboratories
Classification: Benign for Osteogenesis imperfecta type 9. Last evaluated: 2025-01-10. Review status: criteria provided, single submitter. Criteria: ARUP Molecular Germline Variant Investigation Process 2024. Collection method: clinical testing. Allele origin: germline.

Genome Diagnostics Laboratory, The Hospital for Sick Children
Classification: Benign for Osteogenesis imperfecta. Last evaluated: 2022-07-18. Review status: criteria provided, single submitter. Criteria: ACMG Guidelines, 2015. Collection method: clinical testing. Allele origin: germline.

Illumina Laboratory Services, Illumina
Classification: Benign for Osteogenesis imperfecta type 9. Last evaluated: 2018-01-13. Review status: criteria provided, single submitter. Criteria: ICSL Variant Classification Criteria 13 December 2019. Collection method: clinical testing. Allele origin: germline.
Comment: This variant was observed in the ICSL laboratory as part of a predisposition screen in an ostensibly healthy population. It had not been previously curated by ICSL or reported in the Human Gene Mutation Database (HGMD: prior to June 1st, 2018), and was therefore a candidate for classification through an automated scoring system. Utilizing variant allele frequency, disease prevalence and penetrance estimates, and inheritance mode, an automated score was calculated to assess if this variant is too frequent to cause the disease. Based on the score and internal cut-off values, a variant classified as benign is not then subjected to further curation. The score for this variant resulted in a classification of benign for this disease.

GeneDx
Classification: Benign. Last evaluated: 2016-11-02. Review status: criteria provided, single submitter. Criteria: GeneDx Variant Classification (06012015). Collection method: clinical testing. Allele origin: germline. Affected: yes.
Comment: This variant is considered likely benign or benign based on one or more of the following criteria: it is a conservative change, it occurs at a poorly conserved position in the protein, it is predicted to be benign by multiple in silico algorithms, and/or has population frequency not consistent with disease.

Breakthrough Genomics
Classification: Benign. Review status: criteria provided, single submitter. Criteria: ACMG Guidelines, 2015. Collection method: not provided. Allele origin: germline. Inheritance: Autosomal recessive inheritance. Affected: yes.

Osteogenesis Imperfecta Variant Database (PPIB)
No classification provided. Last evaluated: 2011-02-17. Review status: no classification provided. Collection method: curation. Allele origin: unknown. Not counted in ClinVar's aggregate classification.

NM_000942.5(PPIB):c.324C>T (p.Thr108=)

Gene: PPIB (peptidylprolyl isomerase B; minus strand). Cytogenetic location: 15q22.31.
Variant type: single nucleotide variant.
Coding change: c.324C>T on transcript NM_000942.5 (MANE Select); coding-DNA position 324, C replaced by T.
Protein change: p.Thr108=; no amino-acid change (threonine 108 retained).
Molecular consequence: synonymous variant.
Genome position (GRCh38, 1-based): chr15:64,160,123, G>A on the plus strand (C>T on the coding strand, the complement: PPIB is on the minus strand). VCF-style: chr15-64160123-G-A. GRCh37 (hg19) VCF-style: chr15-64452322-G-A.
Other names: p.Thr108=.
Identifiers: ClinVar variation 31847 (VCV000031847.32), dbSNP rs2307247, ClinGen allele CA215399.